The following is an entry in ClinVar:

NM_000260.4(MYO7A):c.3503+6T>C

Gene: MYO7A (myosin VIIA; plus strand). Cytogenetic location: 11q13.5.
Variant type: single nucleotide variant.
Coding change: c.3503+6T>C on transcript NM_000260.4 (MANE Select); 6 bases into the intron after coding-DNA position 3503, T replaced by C.
Molecular consequence: intron variant.
Genome position (GRCh38, 1-based): chr11:77,184,721, T>C. VCF-style: chr11-77184721-T-C. GRCh37 (hg19) VCF-style: chr11-76895766-T-C.
Other names: c.3470+6T>C (NM_001369365.1); c.3503+6T>C (NM_001127180.2).
Identifiers: ClinVar variation 1409441 (VCV001409441.4), dbSNP rs1555087360, ClinGen allele CA381946334.

ClinVar aggregate classification (germline): Uncertain significance (1 of 4 stars; one submission).

Allele frequency attached by ClinVar (database versions not stated): gnomAD exomes below 0.00001 and 0.00001.
gnomAD v4.1: 2 of 1,555,298 alleles (0.00013%); highest among the groups gnomAD compares: East Asian, 0.0023%; no homozygotes.

Submission:

Labcorp Genetics (formerly Invitae), Labcorp
Classification: Uncertain significance. Last evaluated: 2025-02-18. Review status: criteria provided, single submitter. Criteria: Invitae Variant Classification Sherloc (09022015). Collection method: clinical testing. Allele origin: germline.
Comment: This sequence change falls in intron 27 of the MYO7A gene. It does not directly change the encoded amino acid sequence of the MYO7A protein. It affects a nucleotide within the consensus splice site. The frequency data for this variant in the population databases is considered unreliable, as metrics indicate poor data quality at this position in the gnomAD database. This variant has not been reported in the literature in individuals affected with MYO7A-related conditions. ClinVar contains an entry for this variant (Variation ID: 1409441). Variants that disrupt the consensus splice site are a relatively common cause of aberrant splicing (PMID: 17576681, 9536098). Algorithms developed to predict the effect of sequence changes on RNA splicing suggest that this variant is not likely to affect RNA splicing. In summary, the available evidence is currently insufficient to determine the role of this variant in disease. Therefore, it has been classified as a Variant of Uncertain Significance.

Literature cited by the submitters: PubMed 17576681; PubMed 9536098.